The following is an entry in ClinVar:

ClinVar aggregate classification (germline): Pathogenic. Review status: criteria provided, multiple submitters, no conflicts (2 of 4 stars). 35 submissions from 35 submitters: Pathogenic (28). 7 of the submissions do not count toward it. Last evaluated 2026-08-27.

Conditions:
CYP21A2-related disorder. Also called: CYP21A2-related condition.
21-Hydroxylase-Deficient Congenital Adrenal Hyperplasia. Also called: ADRENAL HYPERPLASIA, CONGENITAL, DUE TO 21-HYDROXYLASE DEFICIENCY; ADRENAL HYPERPLASIA III. Identifiers: MedGen C2936858, OMIM 201910.
Congenital lipoid adrenal hyperplasia due to STAR deficency. Also called: Cholesterol monooxygenase (side-chain cleaving) deficiency; Congenital Lipoid Adrenal Hyperplasia; ADRENAL HYPERPLASIA I; Lipoid adrenal hyperplasia. Identifiers: Orphanet 418, Orphanet 90790, MedGen C0342474, MONDO:0008725, OMIM 201710.

Allele frequency attached by ClinVar (database versions not stated): 1000 Genomes Project 30x 0.00172; 1000 Genomes Project 0.00180; ExAC 0.00228; gnomAD exomes 0.00460 and 0.00652; gnomAD 0.00507 and 0.00530.

Submissions 1 to 13 of 35:

Department of Molecular Genetics, Istishari Arab Hospital
Classification: Pathogenic for 21-Hydroxylase-Deficient Congenital Adrenal Hyperplasia. Last evaluated: 2026-08-27. Review status: criteria provided, single submitter. Criteria: ACMG Guidelines, 2015. Collection method: clinical testing. Allele origin: germline. Inheritance: Autosomal recessive inheritance. Affected: no.
Comment: The CYP21A2 variant c.1360C>T p.Pro454Ser causes an amino acid change from Pro to Ser at position 454 in exon(s) no. 10 (of 10). The variant has been reported in individuals affected with congenital adrenal hyperplasia (PMID: 1406709, 1496017, 8989258, 18381579). Historically referred to as p.Pro453Ser (P453S), it is considered a mild allele associated predominantly with nonclassic 21-hydroxylase deficiency and is reported to retain approximately 20%–50% residual enzyme activity (PMID: 1406699; GeneReviews, PMID: 20301350). It is classified as pathogenic according to ACMG/AMP and ClinGen SVI recommendations.

Department of Medical Genetics, Ordu University Medical School Training and Research Hospital
Classification: Pathogenic for 21-Hydroxylase-Deficient Congenital Adrenal Hyperplasia. Last evaluated: 2026-07-18. Review status: criteria provided, single submitter. Criteria: ACMG Guidelines, 2015. Collection method: research. Allele origin: germline. Inheritance: Autosomal recessive inheritance. Affected: yes. Observed: 7 variant alleles, 7 heterozygotes.
Comment: This variant (NM_000500.9:c.1360C>T, p.Pro454Ser) is a non-classic/mild allele. ACMG/AMP criteria applied: PS3 (functional studies show partial reduction in enzyme activity consistent with the mild phenotype), PM1 (missense change at a functionally relevant residue), PP4 (phenotype consistent with CYP21A2 disease), and PP5 (reported Pathogenic/Likely pathogenic in ClinVar). In this cohort it was demonstrated in cis with p.Arg357Trp as the classic [p.Arg357Trp; p.Pro454Ser] haplotype. Combined evidence meets the ACMG 2015 criteria for a Pathogenic classification.

PreventionGenetics, part of Exact Sciences
Classification: Pathogenic for CYP21A2-related condition. Last evaluated: 2026-07-15. Review status: criteria provided, single submitter. Criteria: ACMG Guidelines, 2015. Collection method: clinical testing. Allele origin: germline.
Comment: The CYP21A2 c.1360C>T variant is predicted to result in the amino acid substitution p.Pro454Ser. This variant, also described as p.Pro453Ser, has been reported along with a second pathogenic variant in multiple individuals with non-classic congenital adrenal hyperplasia (CAH) (see for example: Saho et al. 2023. PubMed ID: 37008950; Nikoshkov et al. 1997. PubMed ID: 8989258; Vigliani et al. 2012. PubMed ID: 22270556; Turan et al. 2019. PubMed ID: 31586465). Functional studies show this variant results in reduced enzyme activity comparable to the level of typical non-classic CAH-associated variants such as c.844G>T (p.Val282Leu) (also known as V281L) (Barbaro et al. 2014. PubMed ID: 24953648; Xu et al. 2019. PubMed ID: 30968594; Nikoshkov et al. 1997. PubMed ID: 8989258). This is a common deleterious variant, which likely originated from the pseudogene CYP21A1P via gene conversion. This variant is consistently interpreted as pathogenic in ClinVar (Variation ID: 12159). This variant is interpreted as pathogenic.

Lildballe Lab, Aarhus University Hospital
Classification: Pathogenic for congenital adrenal hyperplasia, due to 21-hydroxylase deficiency. Last evaluated: 2025-10-09. Review status: criteria provided, single submitter. Criteria: ACMG Guidelines, 2015. Collection method: research. Allele origin: germline. Affected: yes.
Comment: PM1 PP2 PM2sup PS4 PM3

Athena Diagnostics
Classification: Pathogenic. Last evaluated: 2025-03-03. Review status: criteria provided, single submitter. Criteria: Athena Diagnostics Criteria. Collection method: clinical testing. Allele origin: unknown.
Comment: This variant is located in a genomic region of low or unreliable sequencing quality, and therefore estimations of its population frequency are uninformative in assessment of variant pathogenicity. In multiple individuals, this variant has been seen in trans with other recessive pathogenic variants in CYP21A2, suggesting this variant is also pathogenic. This variant is reported to associate with non-classic congenital adrenal hyperplasia (CAH). This variant is also referred to as p.Pro453Ser (P453S) in published literature. Assessment of experimental evidence suggests this variant results in abnormal protein function. (PMID: 24953648)

Quest Diagnostics Nichols Institute San Juan Capistrano
Classification: Pathogenic. Last evaluated: 2025-03-03. Review status: criteria provided, single submitter. Criteria: Quest Diagnostics criteria. Collection method: clinical testing. Allele origin: unknown.
Comment: The CYP21A2 c.1360C>T (p.Pro454Ser) variant is usually associated with non-classic CAH (PMID: 1406699 (1992), 1496017 (1992), 10720040 (2000), 11232002 (2001), 12222711 (2002), 20926536 (2011), 21635882 (2011), 22270556 (2012)). This variant has also been reported in individuals with simple virilizing or salt wasting CAH (PMID: 18381579 (2008), 20080860 (2010), 20926536 (2011), 22017335 (2012)). Functional studies indicate this variant causes reduced CYP21A2 enzyme activity (PMID: 1406709 (1992), 8989258 (1997), 24953648 (2015)). Based on the available information, this variant is classified as pathogenic.

Blueprint Genetics
Classification: Pathogenic for CYP21A2-related disorders. Last evaluated: 2024-11-22. Review status: criteria provided, single submitter. Criteria: ACMG Guidelines, 2015. Collection method: clinical testing. Allele origin: germline. Affected: yes. Observed: 5 variant alleles.

3billion
Classification: Pathogenic for 21-Hydroxylase-Deficient Congenital Adrenal Hyperplasia. Last evaluated: 2024-10-01. Review status: criteria provided, single submitter. Criteria: ACMG Guidelines, 2015. Collection method: clinical testing. Allele origin: germline. Affected: yes.
Comment: The variant is observed at an extremely low frequency in the gnomAD v4.0.0 dataset (total allele frequency: 0.628%). Predicted Consequence/Location: Missense variant Functional studies provide strong evidence of the variant having a damaging effect on the gene or gene product (PMID: 24953648). In silico tool predictions suggest damaging effect of the variant on gene or gene product [REVEL: 0.45 (>=0.6, sensitivity 0.68 and specificity 0.92); 3Cnet: 0.94 (>=0.6, sensitivity 0.72 and precision 0.9)]. The same nucleotide change resulting in the same amino acid change has been previously reported as pathogenic/likely pathogenic with strong evidence (ClinVar ID: VCV000012159 /PMID: 1406699 /3billion dataset). The variant has been reported to be in trans with a pathogenic variant as either compound heterozygous or homozygous in at least one similarly affected unrelated individual (PMID: 18381579). Therefore, this variant is classified as Pathogenic according to the recommendation of ACMG/AMP guideline.

Newborn Screening Ontario, Children's Hospital of Eastern Ontario (CHEO)
Classification: Pathogenic for 21-Hydroxylase-Deficient Congenital Adrenal Hyperplasia. Last evaluated: 2024-08-12. Review status: criteria provided, single submitter. Criteria: ACMG Guidelines, 2015. Collection method: clinical testing. Allele origin: germline. Inheritance: Autosomal recessive inheritance.

Laboratory of Medical Genetics, National & Kapodistrian University of Athens
Classification: Pathogenic for 21-Hydroxylase-Deficient Congenital Adrenal Hyperplasia. Last evaluated: 2024-02-01. Review status: criteria provided, single submitter. Criteria: ACMG Guidelines, 2015. Collection method: curation. Allele origin: germline. Affected: no.

Department of Pathology and Laboratory Medicine, Sinai Health System
Classification: Pathogenic for 21-Hydroxylase-Deficient Congenital Adrenal Hyperplasia. Last evaluated: 2023-09-05. Review status: criteria provided, single submitter. Criteria: ACMG Guidelines, 2015. Collection method: research. Allele origin: germline.

Revvity Omics, Revvity
Classification: Pathogenic. Last evaluated: 2023-08-04. Review status: criteria provided, single submitter. Criteria: ACMG Guidelines, 2015. Collection method: clinical testing. Allele origin: germline.

Intergen Genetics and Rare Diseases Diagnosis Center
Classification: Pathogenic for 21-Hydroxylase-Deficient Congenital Adrenal Hyperplasia. Last evaluated: 2023-07-26. Review status: criteria provided, single submitter. Criteria: ACMG Guidelines, 2015. Collection method: clinical testing. Allele origin: germline. Inheritance: Autosomal recessive inheritance. Affected: yes. Observed: 1 heterozygote.

NM_000500.9(CYP21A2):c.1360C>T (p.Pro454Ser)

Genes: CYP21A2 (cytochrome P450 family 21 subfamily A member 2; plus strand), LOC106780800 (CYP21A2 recombination region; plus strand). Cytogenetic location: 6p21.33.
Variant type: single nucleotide variant.
Coding change: c.1360C>T on transcript NM_000500.9 (MANE Select); coding-DNA position 1360, C replaced by T.
Protein change: p.Pro454Ser; replaces proline 454 with serine.
Molecular consequence: missense variant.
Genome position (GRCh38, 1-based): chr6:32,041,006, C>T. VCF-style: chr6-32041006-C-T. GRCh37 (hg19) VCF-style: chr6-32008783-C-T.
Other names: P453S; p.Pro454Ser (legacy p.Pro453Ser); dbSNP:rs6445; p.Pro454Ser; c.1270C>T, p.Pro424Ser (NM_001128590.4); c.955C>T, p.Pro319Ser (NM_001368143.2, NM_001368144.2); short protein forms P454S, P424S, P319S.
Identifiers: ClinVar variation 12159 (VCV000012159.56), dbSNP rs6445, ClinGen allele CA341186.
Genomic context (GRCh38, chr6:32,041,006, plus strand): 5'-CTGGCGCGCCTGGAGCTCTTCGTGGTGCTGACCCGACTGCTGCAGGCCTTCACGCTGCTG[C>T]CCTCCGGGGACGCCCTGCCCTCCCTGCAGCCCCTGCCCCACTGCAGTGTCATCCTCAAGA-3'
Protein context (NP_000491.4, residues 444-464): TRLLQAFTLL[Pro454Ser]SGDALPSLQP